The following is an entry in ClinVar:

NM_000400.4(ERCC2):c.2032G>T (p.Val678Phe)

Gene: ERCC2 (ERCC excision repair 2, TFIIH core complex helicase subunit; minus strand). Cytogenetic location: 19q13.32.
Variant type: single nucleotide variant.
Coding change: c.2032G>T on transcript NM_000400.4 (MANE Select); coding-DNA position 2032, G replaced by T.
Protein change: p.Val678Phe; replaces valine 678 with phenylalanine.
Molecular consequence: missense variant.
Genome position (GRCh38, 1-based): chr19:45,352,520, C>A on the plus strand (G>T on the coding strand, the complement: ERCC2 is on the minus strand). VCF-style: chr19-45352520-C-A. GRCh37 (hg19) VCF-style: chr19-45855778-C-A.
Other names: short protein forms V678F.
Identifiers: ClinVar variation 3509875 (VCV003509875.1).
Genomic context (GRCh38, chr19:45,352,520, plus strand): 5'-TCTTGGAGCCTGGGATGGGAGCACAGGGGCACCCCTGAAGCTGCACCTTGTCGGCAAAGA[C>A]CATGAGGCCGTAGTCCGTCTTGCCCCTGATGGCCCGACCCACACACTGGGCCGCGTGGCG-3'
Protein context (NP_000391.1, residues 668-688): IRGKTDYGLM[Val678Phe]FADKRFARGD

ClinVar aggregate classification (germline): Uncertain significance (1 of 4 stars; one submission).

Conditions:
Inborn genetic diseases. Identifiers: MedGen C0950123, MeSH D030342.

Submission:

Ambry Genetics
Classification: Uncertain significance for Inborn genetic diseases. Last evaluated: 2024-09-30. Review status: criteria provided, single submitter. Criteria: Ambry Variant Classification Scheme 2023. Collection method: clinical testing. Allele origin: germline.
Comment: The p.V678F variant (also known as c.2032G>T), located in coding exon 21 of the ERCC2 gene, results from a G to T substitution at nucleotide position 2032. The valine at codon 678 is replaced by phenylalanine, an amino acid with highly similar properties. This amino acid position is conserved. In addition, the in silico prediction for this alteration is inconclusive. Based on the available evidence, the clinical significance of this variant remains unclear.